The following is an entry in ClinVar:

ClinVar aggregate classification (germline): Uncertain significance (1 of 4 stars; one submission).

Conditions:
Catecholaminergic polymorphic ventricular tachycardia (CVPT). Also called: Catecholamine-induced polymorphic ventricular tachycardia. Identifiers: Orphanet 3286, MedGen C5574922, MONDO:0017990.

Submission:

All of Us Research Program, National Institutes of Health
Classification: Uncertain significance for Catecholaminergic polymorphic ventricular tachycardia. Last evaluated: 2023-08-15. Review status: criteria provided, single submitter. Criteria: ACMG Guidelines, 2015. Collection method: clinical testing. Allele origin: germline. Inheritance: Autosomal dominant inheritance. Observed: 1 variant allele, 1 heterozygote.
Comment: This study involves interpretation of variants in research participants for the purpose of population health screening. Participant phenotype was not available at the time of variant classification. Additional details can be found in publication PMID: 35346344, PMCID: PMC8962531

NM_001035.3(RYR2):c.7458T>A (p.His2486Gln)

Gene: RYR2 (ryanodine receptor 2; plus strand). Cytogenetic location: 1q43.
Variant type: single nucleotide variant.
Coding change: c.7458T>A on transcript NM_001035.3 (MANE Select); coding-DNA position 7458, T replaced by A.
Protein change: p.His2486Gln; replaces histidine 2486 with glutamine.
Molecular consequence: missense variant.
Genome position (GRCh38, 1-based): chr1:237,648,559, T>A. VCF-style: chr1-237648559-T-A. GRCh37 (hg19) VCF-style: chr1-237811859-T-A.
Other names: short protein forms H2486Q.
Identifiers: ClinVar variation 3072320 (VCV003072320.1), dbSNP rs377763795, ClinGen allele CA345398513.
Genomic context (GRCh38, chr1:237,648,559, plus strand): 5'-AGCCATGGTTTTATTCCTTGACAGGGTCTATGGGATTGAGGTTCAAGACTTCCTCCTCCA[T>A]CTTCTTGAGGTTGGCTTTCTGCCAGATCTCCGGGCGGCTGCTTCTTTAGATACGGTGAGA-3'
Protein context (NP_001026.2, residues 2476-2496): YGIEVQDFLL[His2486Gln]LLEVGFLPDL